The following is an entry in ClinVar:

NM_000540.3(RYR1):c.7G>A (p.Asp3Asn)

Gene: RYR1 (ryanodine receptor 1; plus strand). Cytogenetic location: 19q13.2.
Variant type: single nucleotide variant.
Coding change: c.7G>A on transcript NM_000540.3 (MANE Select); coding-DNA position 7, G replaced by A.
Protein change: p.Asp3Asn; replaces aspartic acid 3 with asparagine.
Molecular consequence: missense variant.
Genome position (GRCh38, 1-based): chr19:38,433,836, G>A. VCF-style: chr19-38433836-G-A. GRCh37 (hg19) VCF-style: chr19-38924476-G-A.
Other names: c.7G>A, p.Asp3Asn (NM_001042723.2); short protein forms D3N.
Identifiers: ClinVar variation 3387613 (VCV003387613.1).

ClinVar aggregate classification (germline): Uncertain significance (1 of 4 stars; one submission).

Conditions:
Malignant hyperthermia, susceptibility to, 1 (MHS1). Also called: Anesthesia related hyperthermia; Malignant hyperpyrexia; Fulminating hyperpyrexia; Pharmacogenic myopathy; RYR1-Related Malignant Hyperthermia Susceptibility; Malignant hyperthermia suceptibility 1. Identifiers: Orphanet 423, MedGen C2930980, MONDO:0007783, OMIM 145600.

gnomAD v4.1: 2 of 1,613,432 alleles (0.00012%); highest among the groups gnomAD compares: African/African-American, 0.0013%; no homozygotes.

Submission:

All of Us Research Program, National Institutes of Health
Classification: Uncertain significance for Malignant hyperthermia, susceptibility to, 1. Last evaluated: 2024-04-16. Review status: criteria provided, single submitter. Criteria: ACMG Guidelines, 2015. Collection method: clinical testing. Allele origin: germline. Inheritance: Autosomal dominant inheritance. Observed: 1 variant allele, 1 heterozygote.
Comment: This missense variant replaces aspartic acid with asparagine at codon 3 of the RYR1 protein. Computational prediction suggests that this variant may not impact protein structure and function (internally defined REVEL score threshold <= 0.5, PMID: 27666373). To our knowledge, functional studies have not been reported for this variant. This variant has not been reported in individuals affected with RYR1-related disorders in the literature. This variant has not been identified in the general population by the Genome Aggregation Database (gnomAD). The available evidence is insufficient to determine the role of this variant in disease conclusively. Therefore, this variant is classified as a Variant of Uncertain Significance.

This study involves interpretation of variants in research participants for the purpose of population health screening. Participant phenotype was not available at the time of variant classification. Additional details can be found in publication PMID: 35346344, PMCID: PMC8962531